The following is an entry in ClinVar:

ClinVar aggregate classification (germline): Uncertain significance. Review status: criteria provided, multiple submitters, no conflicts (2 of 4 stars). 4 submissions from 4 submitters: Uncertain significance (4). Last evaluated 2023-12-27.

Conditions:
Sucrase-isomaltase deficiency (CSID). Also called: Deficiency of isomaltase; SI DEFICIENCY; Congenital sucrose isomaltose malabsorption; Sucrose isomaltose enzyme deficiency. Identifiers: Orphanet 35122, MedGen C1283620, MONDO:0009114, OMIM 222900.

Allele frequency attached by ClinVar (database versions not stated): gnomAD 0.00002 and 0.00008; gnomAD exomes 0.00004 and 0.00009; TOPMed 0.00005; ExAC 0.00009; 1000 Genomes Project 30x 0.00031; 1000 Genomes Project 0.00040.
gnomAD v4.1: 65 of 1,588,332 alleles (0.0041%); highest among the groups gnomAD compares: East Asian, 0.11%; no homozygotes.

Submissions (4):

Fulgent Genetics
Classification: Uncertain significance for Sucrase-isomaltase deficiency. Last evaluated: 2023-12-27. Review status: criteria provided, single submitter. Criteria: ACMG Guidelines, 2015. Collection method: clinical testing. Allele origin: germline.

Labcorp Genetics (formerly Invitae), Labcorp
Classification: Uncertain significance. Last evaluated: 2022-02-10. Review status: criteria provided, single submitter. Criteria: Invitae Variant Classification Sherloc (09022015). Collection method: clinical testing. Allele origin: germline.
Comment: This sequence change replaces phenylalanine, which is neutral and non-polar, with leucine, which is neutral and non-polar, at codon 1401 of the SI protein (p.Phe1401Leu). This variant is present in population databases (rs574552408, gnomAD 0.1%). This variant has not been reported in the literature in individuals affected with SI-related conditions. ClinVar contains an entry for this variant (Variation ID: 344015). Advanced modeling of protein sequence and biophysical properties (such as structural, functional, and spatial information, amino acid conservation, physicochemical variation, residue mobility, and thermodynamic stability) performed at Invitae indicates that this missense variant is expected to disrupt SI protein function. In summary, the available evidence is currently insufficient to determine the role of this variant in disease. Therefore, it has been classified as a Variant of Uncertain Significance.

Illumina Laboratory Services, Illumina
Classification: Uncertain significance for Sucrase-isomaltase deficiency. Last evaluated: 2018-01-12. Review status: criteria provided, single submitter. Criteria: ICSL Variant Classification Criteria 13 December 2019. Collection method: clinical testing. Allele origin: germline.

Juno Genomics, Hangzhou Juno Genomics, Inc
Classification: Uncertain significance for Sucrase-isomaltase deficiency. Review status: criteria provided, single submitter. Criteria: ACMG Guidelines, 2015. Collection method: clinical testing. Allele origin: germline.
Comment: Absent from controls (or at extremely low frequency if recessive) in Genome Aggregation Database.;Multiple lines of computational evidence support a deleterious effect on the gene or gene product.

NM_001041.4(SI):c.4203T>G (p.Phe1401Leu)

Gene: SI (sucrase-isomaltase; minus strand). Cytogenetic location: 3q26.1.
Variant type: single nucleotide variant.
Coding change: c.4203T>G on transcript NM_001041.4 (MANE Select); coding-DNA position 4203, T replaced by G.
Protein change: p.Phe1401Leu; replaces phenylalanine 1401 with leucine.
Molecular consequence: missense variant.
Genome position (GRCh38, 1-based): chr3:165,007,975, A>C on the plus strand (T>G on the coding strand, the complement: SI is on the minus strand). VCF-style: chr3-165007975-A-C. GRCh37 (hg19) VCF-style: chr3-164725763-A-C.
Other names: short protein forms F1401L.
Identifiers: ClinVar variation 344015 (VCV000344015.11), dbSNP rs574552408, ClinGen allele CA2689976.